The following is an entry in ClinVar:

ClinVar aggregate classification (germline): Uncertain significance (1 of 4 stars; one submission).

Conditions:
Immunodeficiency 35 (IMD35). Also called: HIES WITH ATYPICAL MYCOBACTERIOSIS, AUTOSOMAL RECESSIVE; HYPER-IgE SYNDROME WITH ATYPICAL MYCOBACTERIOSIS, AUTOSOMAL RECESSIVE; Susceptibility to infection due to TYK2 deficiency; TYK2 DEFICIENCY. Identifiers: Orphanet 331226, MedGen C1969086, MONDO:0012682, OMIM 611521.

Allele frequency attached by ClinVar (database versions not stated): ExAC 0.00001; gnomAD 0.00001; TOPMed 0.00001; gnomAD exomes 0.00002.

Submission:

Labcorp Genetics (formerly Invitae), Labcorp
Classification: Uncertain significance for Immunodeficiency 35. Last evaluated: 2023-11-27. Review status: criteria provided, single submitter. Criteria: Invitae Variant Classification Sherloc (09022015). Collection method: clinical testing. Allele origin: germline.
Comment: This sequence change replaces valine, which is neutral and non-polar, with methionine, which is neutral and non-polar, at codon 515 of the TYK2 protein (p.Val515Met). This variant is present in population databases (rs769911839, gnomAD 0.01%). This variant has not been reported in the literature in individuals affected with TYK2-related conditions. ClinVar contains an entry for this variant (Variation ID: 1370395). Advanced modeling of protein sequence and biophysical properties (such as structural, functional, and spatial information, amino acid conservation, physicochemical variation, residue mobility, and thermodynamic stability) performed at Invitae indicates that this missense variant is not expected to disrupt TYK2 protein function with a negative predictive value of 80%. In summary, the available evidence is currently insufficient to determine the role of this variant in disease. Therefore, it has been classified as a Variant of Uncertain Significance.

NM_003331.5(TYK2):c.1543G>A (p.Val515Met)

Gene: TYK2 (tyrosine kinase 2; minus strand). Cytogenetic location: 19p13.2.
Variant type: single nucleotide variant.
Coding change: c.1543G>A on transcript NM_003331.5 (MANE Select); coding-DNA position 1543, G replaced by A.
Protein change: p.Val515Met; replaces valine 515 with methionine.
Molecular consequence: missense variant. On other transcripts: intron variant (1).
Genome position (GRCh38, 1-based): chr19:10,362,390, C>T on the plus strand (G>A on the coding strand, the complement: TYK2 is on the minus strand). VCF-style: chr19-10362390-C-T. GRCh37 (hg19) VCF-style: chr19-10473066-C-T.
Other names: c.1543G>A, p.Val515Met (NM_001385197.1, NM_001385198.1, NM_001385199.1 and 5 more transcripts); c.1345G>A, p.Val449Met (NM_001385201.1); c.1453G>A, p.Val485Met (NM_001385205.1); c.1477-60G>A (NM_001385206.1); short protein forms V485M, V515M, V449M.
Identifiers: ClinVar variation 1370395 (VCV001370395.6), dbSNP rs769911839, ClinGen allele CA9193386.
Genomic context (GRCh38, chr19:10,362,390, plus strand): 5'-CCTGCAAGGCAGCCCCAAGTTCCCGAACGCTGGGGAAGGACCGGCCCCAGCCCTCCAGCA[C>T]GAAGGCCCCGTCCTGCTGCTCAATGGGGAACTTTCGGAGCCGCAAGCTCTGCATGCCGTC-3'
Protein context (NP_003322.3, residues 505-525): FPIEQQDGAF[Val515Met]LEGWGRSFPS